The following is an entry in ClinVar:

NM_001854.4(COL11A1):c.1162G>T (p.Glu388Ter)

Gene: COL11A1 (collagen type XI alpha 1 chain; minus strand). Cytogenetic location: 1p21.1.
Variant type: single nucleotide variant.
Coding change: c.1162G>T on transcript NM_001854.4 (MANE Select); coding-DNA position 1162, G replaced by T.
Protein change: p.Glu388Ter; replaces glutamic acid 388 with a stop codon.
Molecular consequence: nonsense. On other transcripts: non-coding transcript variant (1), intron variant (1).
Genome position (GRCh38, 1-based): chr1:103,022,825, C>A on the plus strand (G>T on the coding strand, the complement: COL11A1 is on the minus strand). VCF-style: chr1-103022825-C-A. GRCh37 (hg19) VCF-style: chr1-103488381-C-A.
Other names: c.1045G>T, p.Glu349Ter (NM_001190709.2); c.1198G>T, p.Glu400Ter (NM_080629.3); c.898-1056G>T (NM_080630.4); short protein forms E400*, E388*, E349*.
Identifiers: ClinVar variation 2771652 (VCV002771652.3), dbSNP rs2525581969, ClinGen allele CA341154498.

ClinVar aggregate classification (germline): Pathogenic (1 of 4 stars; one submission).

Submission:

Labcorp Genetics (formerly Invitae), Labcorp
Classification: Pathogenic. Last evaluated: 2023-10-24. Review status: criteria provided, single submitter. Criteria: Invitae Variant Classification Sherloc (09022015). Collection method: clinical testing. Allele origin: germline.
Comment: This sequence change creates a premature translational stop signal (p.Glu388*) in the COL11A1 gene. It is expected to result in an absent or disrupted protein product. Loss-of-function variants in COL11A1 are known to be pathogenic (PMID: 20513134, 21035103, 23922384, 25240749, 32427345, 32756486). This variant is not present in population databases (gnomAD no frequency). This variant has not been reported in the literature in individuals affected with COL11A1-related conditions. For these reasons, this variant has been classified as Pathogenic.

Literature cited by the submitters: PubMed 20513134; PubMed 21035103; PubMed 23922384; PubMed 25240749; PubMed 32427345; PubMed 32756486.